The following is an entry in ClinVar:

ClinVar aggregate classification (germline): Uncertain significance (1 of 4 stars; one submission).

Conditions:
Cardiomyopathy (CMYO). Also called: Cardiomyopathies. Identifiers: Orphanet 167848, MedGen C0878544, MONDO:0004994, HP:0001638. Inheritance: Various modes of inheritance.

Submission:

All of Us Research Program, National Institutes of Health
Classification: Uncertain significance for Cardiomyopathy. Last evaluated: 2024-08-06. Review status: criteria provided, single submitter. Criteria: ACMG Guidelines, 2015. Collection method: clinical testing. Allele origin: germline. Inheritance: Autosomal dominant inheritance. Observed: 1 variant allele, 1 heterozygote.
Comment: This study involves interpretation of variants in research participants for the purpose of population health screening. Participant phenotype was not available at the time of variant classification. Additional details can be found in publication PMID: 35346344, PMCID: PMC8962531

NM_000257.4(MYH7):c.2492A>G (p.Lys831Arg)

Genes: MYH7 (myosin heavy chain 7; minus strand), LOC126861898 (BRD4-independent group 4 enhancer GRCh37_chr14:23893609-23894808; plus strand). Cytogenetic location: 14q11.2.
Variant type: single nucleotide variant.
Coding change: c.2492A>G on transcript NM_000257.4 (MANE Select); coding-DNA position 2492, A replaced by G.
Protein change: p.Lys831Arg; replaces lysine 831 with arginine.
Molecular consequence: missense variant.
Genome position (GRCh38, 1-based): chr14:23,424,956, T>C on the plus strand (A>G on the coding strand, the complement: MYH7 is on the minus strand). VCF-style: chr14-23424956-T-C. GRCh37 (hg19) VCF-style: chr14-23894165-T-C.
Other names: c.2492A>G, p.Lys831Arg (NM_001407004.1); short protein forms K831R.
Identifiers: ClinVar variation 3387335 (VCV003387335.1).